The following is an entry in ClinVar:

ClinVar aggregate classification (germline): Uncertain significance (1 of 4 stars; one submission).

Submission:

Labcorp Genetics (formerly Invitae), Labcorp
Classification: Uncertain significance. Last evaluated: 2023-04-30. Review status: criteria provided, single submitter. Criteria: Invitae Variant Classification Sherloc (09022015). Collection method: clinical testing. Allele origin: germline.
Comment: This sequence change replaces tyrosine, which is neutral and polar, with cysteine, which is neutral and slightly polar, at codon 319 of the ERCC3 protein (p.Tyr319Cys). In summary, the available evidence is currently insufficient to determine the role of this variant in disease. Therefore, it has been classified as a Variant of Uncertain Significance. Advanced modeling of protein sequence and biophysical properties (such as structural, functional, and spatial information, amino acid conservation, physicochemical variation, residue mobility, and thermodynamic stability) performed at Invitae indicates that this missense variant is expected to disrupt ERCC3 protein function. This variant has not been reported in the literature in individuals affected with ERCC3-related conditions. This variant is not present in population databases (gnomAD no frequency).

NM_000122.2(ERCC3):c.956A>G (p.Tyr319Cys)

Gene: ERCC3 (ERCC excision repair 3, TFIIH core complex helicase subunit; minus strand). Cytogenetic location: 2q14.3.
Variant type: single nucleotide variant.
Coding change: c.956A>G on transcript NM_000122.2 (MANE Select); coding-DNA position 956, A replaced by G.
Protein change: p.Tyr319Cys; replaces tyrosine 319 with cysteine.
Molecular consequence: missense variant.
Genome position (GRCh38, 1-based): chr2:127,288,731, T>C on the plus strand (A>G on the coding strand, the complement: ERCC3 is on the minus strand). VCF-style: chr2-127288731-T-C. GRCh37 (hg19) VCF-style: chr2-128046307-T-C.
Other names: c.764A>G, p.Tyr255Cys (NM_001303416.2, NM_001303418.2); short protein forms Y255C, Y319C.
Identifiers: ClinVar variation 2856391 (VCV002856391.3), dbSNP rs1189528251, ClinGen allele CA348390319.